The following is an entry in ClinVar:

NM_000257.4(MYH7):c.4514T>A (p.Leu1505Gln)

Genes: MHRT (myosin heavy chain associated RNA transcript; plus strand), MYH7 (myosin heavy chain 7; minus strand). Cytogenetic location: 14q11.2.
Variant type: single nucleotide variant.
Coding change: c.4514T>A on transcript NM_000257.4 (MANE Select); coding-DNA position 4514, T replaced by A.
Protein change: p.Leu1505Gln; replaces leucine 1505 with glutamine.
Molecular consequence: missense variant.
Genome position (GRCh38, 1-based): chr14:23,417,158, A>T on the plus strand (T>A on the coding strand, the complement: MYH7 is on the minus strand). VCF-style: chr14-23417158-A-T. GRCh37 (hg19) VCF-style: chr14-23886367-A-T.
Other names: c.4514T>A, p.Leu1505Gln (NM_001407004.1); short protein forms L1505Q.
Identifiers: ClinVar variation 3387297 (VCV003387297.1).

ClinVar aggregate classification (germline): Uncertain significance (1 of 4 stars; one submission).

Conditions:
Cardiomyopathy (CMYO). Also called: Cardiomyopathies. Identifiers: Orphanet 167848, MedGen C0878544, MONDO:0004994, HP:0001638. Inheritance: Various modes of inheritance.

Submission:

All of Us Research Program, National Institutes of Health
Classification: Uncertain significance for Cardiomyopathy. Last evaluated: 2024-05-17. Review status: criteria provided, single submitter. Criteria: ACMG Guidelines, 2015. Collection method: clinical testing. Allele origin: germline. Inheritance: Autosomal dominant inheritance. Observed: 1 variant allele, 1 heterozygote.
Comment: This study involves interpretation of variants in research participants for the purpose of population health screening. Participant phenotype was not available at the time of variant classification. Additional details can be found in publication PMID: 35346344, PMCID: PMC8962531